The following is an entry in ClinVar:

ClinVar aggregate classification (germline): Likely benign. Review status: criteria provided, multiple submitters, no conflicts (2 of 4 stars). 2 submissions from 2 submitters: Likely benign (2). Last evaluated 2026-01-05.

Conditions:
CEP164-related disorder. Also called: CEP164-related condition.
Nephronophthisis 15 (NPHP15). Identifiers: Orphanet 3156, MedGen C3541853, MONDO:0013917, OMIM 614845.

Allele frequency attached by ClinVar (database versions not stated): gnomAD exomes below 0.00001; TOPMed below 0.00001; gnomAD 0.00001.
gnomAD v4.1: 3 of 1,613,686 alleles (0.00019%); highest among the groups gnomAD compares: East Asian, 0.0022%; no homozygotes.

Submissions (2):

Labcorp Genetics (formerly Invitae), Labcorp
Classification: Likely benign for Nephronophthisis 15. Last evaluated: 2026-01-05. Review status: criteria provided, single submitter. Criteria: Invitae Variant Classification Sherloc (09022015). Collection method: clinical testing. Allele origin: germline.

PreventionGenetics, part of Exact Sciences
Classification: Likely benign for CEP164-related condition. Last evaluated: 2025-01-30. Review status: criteria provided, single submitter. Criteria: ACMG Guidelines, 2015. Collection method: clinical testing. Allele origin: germline.
Comment: This variant is classified as likely benign based on ACMG/AMP sequence variant interpretation guidelines (Richards et al. 2015 PMID: 25741868, with internal and published modifications).

NM_014956.5(CEP164):c.3234G>A (p.Val1078=)

Gene: CEP164 (centrosomal protein 164; plus strand). Cytogenetic location: 11q23.3.
Variant type: single nucleotide variant.
Coding change: c.3234G>A on transcript NM_014956.5 (MANE Select); coding-DNA position 3234, G replaced by A.
Protein change: p.Val1078=; no amino-acid change (valine 1078 retained).
Molecular consequence: synonymous variant.
Genome position (GRCh38, 1-based): chr11:117,396,567, G>A. VCF-style: chr11-117396567-G-A. GRCh37 (hg19) VCF-style: chr11-117267283-G-A.
Other names: c.3243G>A, p.Val1081= (NM_001271933.2).
Identifiers: ClinVar variation 748936 (VCV000748936.9), dbSNP rs929056136, ClinGen allele CA229361734.